The following is an entry in ClinVar:

ClinVar aggregate classification (germline): Likely pathogenic. Review status: criteria provided, single submitter (1 of 4 stars). 2 submissions from 2 submitters: Likely pathogenic (1). 1 of the submissions does not count toward it.

Conditions:
Metaphyseal chondrodysplasia, Schmid type (MCDS). Also called: SPONDYLOMETAPHYSEAL DYSPLASIA, JAPANESE TYPE. Identifiers: Orphanet 174, MedGen C0265289, MONDO:0007983, OMIM 156500.

Submissions (2):

Juno Genomics, Hangzhou Juno Genomics, Inc
Classification: Likely pathogenic for Metaphyseal chondrodysplasia, Schmid type. Review status: criteria provided, single submitter. Criteria: ACMG Guidelines, 2015. Collection method: clinical testing. Allele origin: germline. Affected: yes.
Comment: Absent from controls (or at extremely low frequency if recessive) in Genome Aggregation Database, Exome Sequencing Project, 1000 Genomes Project, or Exome Aggregation Consortium.;Null variant in a gene where loss of function (LOF) is a known mechanism of disease.;The prevalence of the variant in affected individuals is significantly increased compared to the prevalence in controls.;Patient's phenotype or family history is highly specific for a disease with a single genetic etiology.

OMIM
Classification: Pathogenic for METAPHYSEAL CHONDRODYSPLASIA, SCHMID TYPE. Last evaluated: 1995-01-01. Review status: no assertion criteria provided. Collection method: literature only. Allele origin: germline. Not counted in ClinVar's aggregate classification.

Literature cited by the submitters: PubMed 7749409 (cited by OMIM).

NM_000493.4(COL10A1):c.1953G>A (p.Trp651Ter)

Genes: COL10A1 (collagen type X alpha 1 chain; minus strand), NT5DC1 (5'-nucleotidase domain containing 1; plus strand). Cytogenetic location: 6q22.1.
Variant type: single nucleotide variant.
Coding change: c.1953G>A on transcript NM_000493.4 (MANE Select); coding-DNA position 1953, G replaced by A.
Protein change: p.Trp651Ter; replaces tryptophan 651 with a stop codon.
Molecular consequence: nonsense. On other transcripts: intron variant (1).
Genome position (GRCh38, 1-based): chr6:116,120,163, C>T on the plus strand (G>A on the coding strand, the complement: COL10A1 is on the minus strand). VCF-style: chr6-116120163-C-T. GRCh37 (hg19) VCF-style: chr6-116441326-C-T.
Other names: c.1953G>A, p.Trp651Ter (NM_001424106.1, NM_001424107.1); c.529+2218C>T (NM_152729.3); short protein forms W651*.
Identifiers: ClinVar variation 17473 (VCV000017473.4), dbSNP rs111033547, ClinGen allele CA127215.